The following is an entry in ClinVar:

ClinVar aggregate classification (germline): Conflicting classifications of pathogenicity. Review status: criteria provided, conflicting classifications (1 of 4 stars). 6 submissions from 6 submitters: Uncertain significance (4); Benign (2). Last evaluated 2025-06-11.

Conditions:
Hereditary cancer-predisposing syndrome. Also called: Tumor predisposition; Hereditary Cancer Syndrome; Hereditary neoplastic syndrome; Neoplastic Syndromes, Hereditary. Identifiers: Orphanet 140162, MedGen C0027672, MeSH D009386, MONDO:0015356.
Neurofibromatosis, type 2 (SWNV). Also called: BILATERAL ACOUSTIC NEUROFIBROMATOSIS; SCHWANNOMATOSIS, VESTIBULAR; NF2-Related Schwannomatosis. Identifiers: Orphanet 637, MedGen C0027832, MONDO:0007039, OMIM 101000. Disease mechanism: loss of function.

Allele frequency attached by ClinVar (database versions not stated): gnomAD 0.00001; TOPMed 0.00001; gnomAD exomes 0.00002; ExAC 0.00004.
gnomAD v4.1: 12 of 1,613,914 alleles (0.00074%); highest among the groups gnomAD compares: Admixed American, 0.0033%; no homozygotes.

Submissions (6):

Color Diagnostics, LLC DBA Color Health
Classification: Benign for Neurofibromatosis, type 2. Last evaluated: 2025-06-11. Review status: criteria provided, single submitter. Criteria: ACMG Guidelines, 2015. Collection method: clinical testing. Allele origin: germline.

Labcorp Genetics (formerly Invitae), Labcorp
Classification: Uncertain significance for Neurofibromatosis, type 2. Last evaluated: 2025-01-28. Review status: criteria provided, single submitter. Criteria: Invitae Variant Classification Sherloc (09022015). Collection method: clinical testing. Allele origin: germline.
Comment: This sequence change replaces aspartic acid, which is acidic and polar, with asparagine, which is neutral and polar, at codon 508 of the NF2 protein (p.Asp508Asn). This variant is present in population databases (rs749326764, gnomAD 0.006%). This variant has not been reported in the literature in individuals affected with NF2-related conditions. ClinVar contains an entry for this variant (Variation ID: 819446). Invitae Evidence Modeling of protein sequence and biophysical properties (such as structural, functional, and spatial information, amino acid conservation, physicochemical variation, residue mobility, and thermodynamic stability) indicates that this missense variant is not expected to disrupt NF2 protein function with a negative predictive value of 80%. In summary, the available evidence is currently insufficient to determine the role of this variant in disease. Therefore, it has been classified as a Variant of Uncertain Significance.

All of Us Research Program, National Institutes of Health
Classification: Uncertain significance for Neurofibromatosis, type 2. Last evaluated: 2024-01-11. Review status: criteria provided, single submitter. Criteria: ACMG Guidelines, 2015. Collection method: clinical testing. Allele origin: germline. Inheritance: Autosomal dominant inheritance. Observed: 5 variant alleles, 5 heterozygotes.
Comment: This missense variant replaces aspartic acid with asparagine at codon 508 of the NF2 protein. Computational prediction is inconclusive regarding the impact of this variant on protein structure and function (internally defined REVEL score threshold 0.5 < inconclusive < 0.7, PMID: 27666373). To our knowledge, functional studies have not been reported for this variant. This variant has not been reported in individuals affected with NF2-related disorders in the literature. This variant has been identified in 5/251494 chromosomes in the general population by the Genome Aggregation Database (gnomAD). The available evidence is insufficient to determine the role of this variant in disease conclusively. Therefore, this variant is classified as a Variant of Uncertain Significance.

This study involves interpretation of variants in research participants for the purpose of population health screening. Participant phenotype was not available at the time of variant classification. Additional details can be found in publication PMID: 35346344, PMCID: PMC8962531

GeneDx
Classification: Uncertain significance. Last evaluated: 2022-12-29. Review status: criteria provided, single submitter. Criteria: GeneDx Variant Classification Process June 2021. Collection method: clinical testing. Allele origin: germline. Affected: yes.
Comment: In silico analysis supports that this missense variant has a deleterious effect on protein structure/function; Has not been previously published as pathogenic or benign to our knowledge; This variant is associated with the following publications: (PMID: 11756419, 27284491)

Ambry Genetics
Classification: Benign for Hereditary cancer-predisposing syndrome. Last evaluated: 2022-11-21. Review status: criteria provided, single submitter. Criteria: Ambry Variant Classification Scheme 2023. Collection method: clinical testing. Allele origin: germline.

Genome-Nilou Lab
Classification: Uncertain significance for Neurofibromatosis, type 2. Last evaluated: 2021-11-07. Review status: criteria provided, single submitter. Criteria: ACMG Guidelines, 2015. Collection method: clinical testing. Allele origin: germline. Affected: no.

NM_000268.4(NF2):c.1522G>A (p.Asp508Asn)

Gene: NF2 (NF2, moesin-ezrin-radixin like (MERLIN) tumor suppressor; plus strand). Cytogenetic location: 22q12.2.
Variant type: single nucleotide variant.
Coding change: c.1522G>A on transcript NM_000268.4 (MANE Select); coding-DNA position 1522, G replaced by A.
Protein change: p.Asp508Asn; replaces aspartic acid 508 with asparagine.
Molecular consequence: missense variant. On other transcripts: non-coding transcript variant (1), intron variant (1).
Genome position (GRCh38, 1-based): chr22:29,678,271, G>A. VCF-style: chr22-29678271-G-A. GRCh37 (hg19) VCF-style: chr22-30074260-G-A.
Other names: c.1522G>A, p.Asp508Asn (NM_016418.5, NM_181825.3, NM_181832.3); c.1396G>A, p.Asp466Asn (NM_181828.3); c.1399G>A, p.Asp467Asn (NM_181829.3); c.1273G>A, p.Asp425Asn (NM_181830.3, NM_181831.3); c.448-16481G>A (NM_181833.3); short protein forms D466N, D508N, D425N, D467N.
Identifiers: ClinVar variation 819446 (VCV000819446.15), dbSNP rs749326764, ClinGen allele CA031859.
Genomic context (GRCh38, chr22:29,678,271, plus strand): 5'-CCAGCACCGTTGCCTCCTGACATACCAAGCTTCAACCTCATTGGTGACAGCCTGTCTTTC[G>A]ACTTCAAAGATACTGACATGAAGCGGCTTTCCATGGAGATAGAGAAAGAAAAGTATGTAG-3'
Protein context (NP_000259.1, residues 498-518): FNLIGDSLSF[Asp508Asn]FKDTDMKRLS